The following is an entry in ClinVar:

NM_001048174.2(MUTYH):c.88A>T (p.Ser30Cys)

Gene: MUTYH (mutY DNA glycosylase; minus strand). Cytogenetic location: 1p34.1.
Variant type: single nucleotide variant.
Coding change: c.88A>T on transcript NM_001048174.2 (MANE Select); coding-DNA position 88, A replaced by T.
Protein change: p.Ser30Cys; replaces serine 30 with cysteine.
Molecular consequence: missense variant. On other transcripts: non-coding transcript variant (2), 5 prime UTR variant (4).
Genome position (GRCh38, 1-based): chr1:45,334,418, T>A on the plus strand (A>T on the coding strand, the complement: MUTYH is on the minus strand). VCF-style: chr1-45334418-T-A. GRCh37 (hg19) VCF-style: chr1-45800090-T-A.
Other names: c.130A>T (NM_001128425.1); c.88A>T, p.Ser30Cys (NM_001048171.2, NM_001048172.2, NM_001048173.2 and 2 more transcripts); c.130A>T, p.Ser44Cys (NM_001128425.2, NM_001293190.2, NM_012222.3); c.-125A>T (NM_001293192.2, NM_001293196.2); c.-184A>T (NM_001350650.2); c.-120A>T (NM_001350651.2); short protein forms S44C, S30C.
Identifiers: ClinVar variation 1355565 (VCV001355565.7), dbSNP rs2149187418, ClinGen allele CA340137021.
Genomic context (GRCh38, chr1:45,334,418, plus strand): 5'-CAATGAGCCTTGGGCCACAACCTAGTTCCTTACCATCACAGGCAGAAGGCTTGGCCTGAC[T>A]GTTGTTCTTAGCATGCTTCTGCCTCCCTTCCTGGCTGGCTGCCTGCTTCCTGTGACCACT-3'
Protein context (NP_001041639.1, residues 20-40): EGRQKHAKNN[Ser30Cys]QAKPSACDGL

ClinVar aggregate classification (germline): Uncertain significance. Review status: criteria provided, multiple submitters, no conflicts (2 of 4 stars). 2 submissions from 2 submitters: Uncertain significance (2). Last evaluated 2025-08-27.

Conditions:
Hereditary cancer-predisposing syndrome. Also called: Neoplastic Syndromes, Hereditary; Tumor predisposition; Hereditary Cancer Syndrome; Hereditary neoplastic syndrome. Identifiers: Orphanet 140162, MedGen C0027672, MeSH D009386, MONDO:0015356.
Familial adenomatous polyposis 2. Also called: MYH-associated polyposis; FAP type 2; MUTYH-associated polyposis; MUTYH-related attenuated familial adenomatous polyposis; Adenomas, multiple colorectal; COLORECTAL ADENOMATOUS POLYPOSIS, AUTOSOMAL RECESSIVE. Identifiers: Orphanet 220460, Orphanet 247798, MedGen C3272841, MONDO:0012041, OMIM 608456.

Submissions (2):

Ambry Genetics
Classification: Uncertain significance for Hereditary cancer-predisposing syndrome. Last evaluated: 2025-08-27. Review status: criteria provided, single submitter. Criteria: Ambry Variant Classification Scheme 2023. Collection method: clinical testing. Allele origin: germline.
Comment: The p.S44C variant (also known as c.130A>T), located in coding exon 2 of the MUTYH gene, results from an A to T substitution at nucleotide position 130. The serine at codon 44 is replaced by cysteine, an amino acid with dissimilar properties. This amino acid position is conserved. In addition, this alteration is predicted to be tolerated by in silico analysis. Based on the available evidence, the clinical significance of this variant remains unclear.

Labcorp Genetics (formerly Invitae), Labcorp
Classification: Uncertain significance for Familial adenomatous polyposis 2. Last evaluated: 2022-12-10. Review status: criteria provided, single submitter. Criteria: Invitae Variant Classification Sherloc (09022015). Collection method: clinical testing. Allele origin: germline.
Comment: This sequence change replaces serine, which is neutral and polar, with cysteine, which is neutral and slightly polar, at codon 44 of the MUTYH protein (p.Ser44Cys). Algorithms developed to predict the effect of missense changes on protein structure and function are either unavailable or do not agree on the potential impact of this missense change (SIFT: "Deleterious"; PolyPhen-2: "Benign"; Align-GVGD: "Class C0"). ClinVar contains an entry for this variant (Variation ID: 1355565). This variant has not been reported in the literature in individuals affected with MUTYH-related conditions. This variant is not present in population databases (gnomAD no frequency). In summary, the available evidence is currently insufficient to determine the role of this variant in disease. Therefore, it has been classified as a Variant of Uncertain Significance.